The following is an entry in ClinVar:

ClinVar aggregate classification (germline): Pathogenic/Likely pathogenic. Review status: criteria provided, multiple submitters, no conflicts (2 of 4 stars). 5 submissions from 5 submitters: Pathogenic (3); Likely pathogenic (2). Last evaluated 2026-03-26.

Conditions:
Diabetes insipidus, nephrogenic, X-linked. Also called: Nephrogenic Diabetes Insipidus, Type I. Identifiers: Orphanet 223, MedGen C1563705, MONDO:0010581, OMIM 304800.
Renal tubulopathies.
AVPR2-related disorder. Also called: AVPR2-related condition.
Nephrogenic syndrome of inappropriate antidiuresis (NSIAD). Identifiers: Orphanet 93606, MedGen C1845202, MONDO:0010356, OMIM 300539.

Allele frequency attached by ClinVar (database versions not stated): gnomAD exomes below 0.00001 and 0.00001; ExAC 0.00001.

Submissions (5):

Genetics Laboratory, Great Ormond Street Hospital NHS Foundation Trust, North Thames Genomic Laboratory Hub
Classification: Pathogenic for Renal tubulopathies. Last evaluated: 2026-03-26. Review status: criteria provided, single submitter. Criteria: ACGS Best Practice Guidelines for Variant Classification in Rare Disease 2024 v1.2. Collection method: clinical testing. Allele origin: germline. Affected: yes.
Comment: PS4_moderate, PM2_moderate, BP4_supporting, PS3_moderate, PM1_moderate, PP1_strong

3billion
Classification: Likely pathogenic for Diabetes insipidus, nephrogenic, X-linked. Last evaluated: 2025-02-26. Review status: criteria provided, single submitter. Criteria: ACMG Guidelines, 2015. Collection method: clinical testing. Allele origin: germline. Affected: yes.
Comment: The variant is observed at an extremely low frequency in the gnomAD v4.1.0 dataset (total allele frequency: <0.001%). Predicted Consequence/Location: Missense variant In silico tool predictions suggest damaging effect of the variant on gene or gene product [REVEL: 0.24 (>=0.6, sensitivity 0.68 and specificity 0.92); 3Cnet: 0.69 (>=0.6, sensitivity 0.72 and precision 0.9)]. The same nucleotide change resulting in the same amino acid change has been previously reported as pathogenic/likely pathogenic with strong evidence (ClinVar ID: VCV001203715 /PMID: 1303271). Therefore, this variant is classified as Likely pathogenic according to the recommendation of ACMG/AMP guideline.

Blueprint Genetics
Classification: Pathogenic for AVPR2-related disorders. Last evaluated: 2023-01-02. Review status: criteria provided, single submitter. Criteria: ACMG Guidelines, 2015. Collection method: clinical testing. Allele origin: germline. Affected: yes. Observed: 3 variant alleles.

GeneDx
Classification: Pathogenic. Last evaluated: 2022-06-17. Review status: criteria provided, single submitter. Criteria: GeneDx Variant Classification Process June 2021. Collection method: clinical testing. Allele origin: germline. Affected: yes.
Comment: Published functional studies demonstrate a damaging effect: reduced binding ability (Tsukaguchi et al., 1995; Schulein et al., 2000); Not observed at a significant frequency in large population cohorts (gnomAD); This variant is associated with the following publications: (PMID: 10648821, 7564126, 1303271, 8037205, 9452109, 17371330)

Fulgent Genetics
Classification: Likely pathogenic for Nephrogenic syndrome of inappropriate antidiuresis; Diabetes insipidus, nephrogenic, X-linked. Last evaluated: 2022-01-04. Review status: criteria provided, single submitter. Criteria: ACMG Guidelines, 2015. Collection method: clinical testing. Allele origin: unknown.

Literature cited by the submitters: PubMed 1303271 (cited by 3billion).

NM_000054.7(AVPR2):c.604C>T (p.Arg202Cys)

Gene: AVPR2 (arginine vasopressin receptor 2; plus strand). Cytogenetic location: Xq28.
Variant type: single nucleotide variant.
Coding change: c.604C>T on transcript NM_000054.7 (MANE Select); coding-DNA position 604, C replaced by T.
Protein change: p.Arg202Cys; replaces arginine 202 with cysteine.
Molecular consequence: missense variant. On other transcripts: non-coding transcript variant (1).
Genome position (GRCh38, 1-based): chrX:153,906,110, C>T. VCF-style: chrX-153906110-C-T. GRCh37 (hg19) VCF-style: chrX-153171564-C-T.
Other names: c.604C>T, p.Arg202Cys (NM_001146151.3); short protein forms R202C.
Identifiers: ClinVar variation 1203715 (VCV001203715.9), dbSNP rs782806507, ClinGen allele CA10555034.
Genomic context (GRCh38, chrX:153,906,110, plus strand): 5'-AACGTGGAAGGTGGCAGCGGGGTCACTGACTGCTGGGCCTGCTTTGCGGAGCCCTGGGGC[C>T]GTCGCACCTATGTCACCTGGATTGCCCTGATGGTGTTCGTGGCACCTACCCTGGGTATCG-3'
Protein context (NP_000045.1, residues 192-212): CWACFAEPWG[Arg202Cys]RTYVTWIALM